The following is an entry in ClinVar:

ClinVar aggregate classification (germline): Benign. Review status: criteria provided, multiple submitters, no conflicts (2 of 4 stars). 4 submissions from 2 submitters: Benign (4). Last evaluated 2018-04-13.

Conditions:
Newfoundland cone-rod dystrophy. Identifiers: MedGen C1843815, MONDO:0011839, OMIM 607476.
Retinitis pigmentosa (RP). Identifiers: Orphanet 791, MedGen C0035334, MeSH D012174, MONDO:0019200, OMIM 268000. Inheritance: Autosomal dominant, autosomal recessive and X linked inheritance.
Pigmentary retinal dystrophy. Also called: Fundus albipunctatus. Identifiers: Orphanet 227796, Orphanet 52427, MedGen C0311338, MONDO:0007639, OMIM 136880, HP:0030642.

Allele frequency attached by ClinVar (database versions not stated): gnomAD exomes 0.00551; gnomAD 0.03819 and 0.04087; TOPMed 0.04299; 1000 Genomes Project 0.04553; 1000 Genomes Project 30x 0.04575.
gnomAD v4.1: 7,155 of 392,554 alleles (1.8%); highest among the groups gnomAD compares: African/African-American, 13%; 437 homozygotes.

Submissions (4):

Illumina Laboratory Services, Illumina
Classification: Benign for Newfoundland cone-rod dystrophy. Last evaluated: 2018-04-13. Review status: criteria provided, single submitter. Criteria: ICSL Variant Classification Criteria 13 December 2019. Collection method: clinical testing. Allele origin: germline.
Comment: This variant was observed as part of a predisposition screen in an ostensibly healthy population. A literature search was performed for the gene, cDNA change, and amino acid change (where applicable). No publications were found based on this search. Allele frequency data from public databases was too high to be consistent with this variant causing disease. Therefore, this variant is classified as benign.

Illumina Laboratory Services, Illumina
Classification: Benign for Pigmentary retinal dystrophy. Last evaluated: 2018-04-13. Review status: criteria provided, single submitter. Criteria: ICSL Variant Classification Criteria 13 December 2019. Collection method: clinical testing. Allele origin: germline.
Comment: the same text as in the submission from Illumina Laboratory Services, Illumina above.

Illumina Laboratory Services, Illumina
Classification: Benign for Retinitis pigmentosa. Last evaluated: 2018-04-13. Review status: criteria provided, single submitter. Criteria: ICSL Variant Classification Criteria 13 December 2019. Collection method: clinical testing. Allele origin: germline.
Comment: the same text as in the submission from Illumina Laboratory Services, Illumina above.

Breakthrough Genomics
Classification: Benign. Review status: criteria provided, single submitter. Criteria: ACMG Guidelines, 2015. Collection method: not provided. Allele origin: germline. Inheritance: Autosomal recessive inheritance. Affected: yes.

NM_000326.5(RLBP1):c.*322C>T

Gene: RLBP1 (retinaldehyde binding protein 1; minus strand). Cytogenetic location: 15q26.1.
Variant type: single nucleotide variant.
Coding change: c.*322C>T on transcript NM_000326.5 (MANE Select); 322 bases downstream of the stop codon, C replaced by T.
Molecular consequence: 3 prime UTR variant.
Genome position (GRCh38, 1-based): chr15:89,209,963, G>A on the plus strand (C>T on the coding strand, the complement: RLBP1 is on the minus strand). VCF-style: chr15-89209963-G-A. GRCh37 (hg19) VCF-style: chr15-89753194-G-A.
Identifiers: ClinVar variation 317227 (VCV000317227.6), dbSNP rs8039787, ClinGen allele CA10646665.